The following is an entry in ClinVar:

ClinVar aggregate classification (germline): Uncertain significance (1 of 4 stars; one submission).

Conditions:
Inborn genetic diseases. Identifiers: MedGen C0950123, MeSH D030342.

Submission:

Ambry Genetics
Classification: Uncertain significance for Inborn genetic diseases. Last evaluated: 2026-03-06. Review status: criteria provided, single submitter. Criteria: Ambry Variant Classification Scheme 2023. Collection method: clinical testing. Allele origin: germline.
Comment: The p.R202G variant (also known as c.604C>G), located in coding exon 1 of the SH2B3 gene, results from a C to G substitution at nucleotide position 604. The arginine at codon 202 is replaced by glycine, an amino acid with dissimilar properties. This amino acid position is conserved. In addition, this alteration is predicted to be tolerated by in silico analysis. Based on the available evidence, the clinical significance of this variant remains unclear.

NM_005475.3(SH2B3):c.604C>G (p.Arg202Gly)

Gene: SH2B3 (SH2B adaptor protein 3; plus strand). Cytogenetic location: 12q24.12.
Variant type: single nucleotide variant.
Coding change: c.604C>G on transcript NM_005475.3 (MANE Select); coding-DNA position 604, C replaced by G.
Protein change: p.Arg202Gly; replaces arginine 202 with glycine.
Molecular consequence: missense variant.
Genome position (GRCh38, 1-based): chr12:111,418,749, C>G. VCF-style: chr12-111418749-C-G. GRCh37 (hg19) VCF-style: chr12-111856553-C-G.
Other names: short protein forms R202G.
Identifiers: ClinVar variation 4826776 (VCV004826776.1).